The following is an entry in ClinVar:

ClinVar aggregate classification (germline): Conflicting classifications of pathogenicity. Review status: criteria provided, conflicting classifications (1 of 4 stars). 5 submissions from 5 submitters: Uncertain significance (1); Likely benign (4). Last evaluated 2026-01-27.

Conditions:
Fraser syndrome 3. Identifiers: MedGen C4540040, MONDO:0054739, OMIM 617667.

Allele frequency attached by ClinVar (database versions not stated): ExAC 0.00023; ESP Exome Variant Server 0.00024; gnomAD 0.00024 and 0.00026; gnomAD exomes 0.00026 and 0.00036; TOPMed 0.00040.
gnomAD v4.1: 548 of 1,613,756 alleles (0.034%); highest among the groups gnomAD compares: Non-Finnish European, 0.043%; no homozygotes.

Submissions (5):

Labcorp Genetics (formerly Invitae), Labcorp
Classification: Likely benign. Last evaluated: 2026-01-27. Review status: criteria provided, single submitter. Criteria: Invitae Variant Classification Sherloc (09022015). Collection method: clinical testing. Allele origin: germline.

Blueprint Genetics
Classification: Likely benign. Last evaluated: 2024-11-26. Review status: criteria provided, single submitter. Criteria: ACMG Guidelines, 2015. Collection method: clinical testing. Allele origin: germline.

Women's Health and Genetics/Laboratory Corporation of America, LabCorp
Classification: Likely benign. Last evaluated: 2024-05-16. Review status: criteria provided, single submitter. Criteria: LabCorp Variant Classification Summary - May 2015. Collection method: clinical testing. Allele origin: germline.
Comment: Variant summary: GRIP1 c.1272G>A alters a conserved nucleotide resulting in a synonymous change. Consensus agreement among computation tools predict no significant impact on normal splicing. However, these predictions have yet to be confirmed by functional studies. The variant allele was found at a frequency of 0.00026 in 249544 control chromosomes. This frequency is not significantly higher than estimated for a pathogenic variant in GRIP1 causing Cryptophthalmos Syndrome (0.00026 vs 0.0013), allowing no conclusion about variant significance. To our knowledge, no occurrence of c.1272G>A in individuals affected with Cryptophthalmos Syndrome and no experimental evidence demonstrating its impact on protein function have been reported. ClinVar contains an entry for this variant (Variation ID: 754761). Based on the evidence outlined above, the variant was classified as likely benign.

CeGaT Center for Human Genetics Tuebingen
Classification: Likely benign. Last evaluated: 2023-09-01. Review status: criteria provided, single submitter. Criteria: CeGaT Center For Human Genetics Tuebingen Variant Classification Criteria Version 2. Collection method: clinical testing. Allele origin: germline. Affected: yes. Observed: 1 variant allele.
Comment: GRIP1: BP4, BP7

Illumina Laboratory Services, Illumina
Classification: Uncertain significance for Fraser syndrome 3. Last evaluated: 2018-01-12. Review status: criteria provided, single submitter. Criteria: ICSL Variant Classification Criteria 13 December 2019. Collection method: clinical testing. Allele origin: germline.

NM_001366722.1(GRIP1):c.1428G>A (p.Thr476=)

Gene: GRIP1 (glutamate receptor interacting protein 1; minus strand). Cytogenetic location: 12q14.3.
Variant type: single nucleotide variant.
Coding change: c.1428G>A on transcript NM_001366722.1 (MANE Select); coding-DNA position 1428, G replaced by A.
Protein change: p.Thr476=; no amino-acid change (threonine 476 retained).
Molecular consequence: synonymous variant.
Genome position (GRCh38, 1-based): chr12:66,445,435, C>T on the plus strand (G>A on the coding strand, the complement: GRIP1 is on the minus strand). VCF-style: chr12-66445435-C-T. GRCh37 (hg19) VCF-style: chr12-66839215-C-T.
Other names: c.1272G>A, p.Thr424= (NM_001178074.2, NM_021150.4); c.1347G>A, p.Thr449= (NM_001366723.1); c.1350G>A, p.Thr450= (NM_001366724.1).
Identifiers: ClinVar variation 754761 (VCV000754761.38), dbSNP rs202009431, ClinGen allele CA6674374.